The following is an entry in ClinVar:

ClinVar aggregate classification (germline): Uncertain significance. Review status: criteria provided, multiple submitters, no conflicts (2 of 4 stars). 2 submissions from 2 submitters: Uncertain significance (2). Last evaluated 2023-12-21.

Submissions (2):

GeneDx
Classification: Uncertain significance. Last evaluated: 2023-12-21. Review status: criteria provided, single submitter. Criteria: GeneDx Variant Classification Process June 2021. Collection method: clinical testing. Allele origin: germline. Affected: yes.
Comment: Not observed at significant frequency in large population cohorts (gnomAD); In silico analysis supports that this missense variant does not alter protein structure/function; Has not been previously published as pathogenic or benign to our knowledge

Ambry Genetics
Classification: Uncertain significance. Last evaluated: 2021-10-20. Review status: criteria provided, single submitter. Criteria: Ambry Variant Classification Scheme 2023. Collection method: clinical testing. Allele origin: germline.

NM_001297595.2(SIN3B):c.774G>T (p.Glu258Asp)

Gene: SIN3B (SIN3 transcription regulator family member B; plus strand). Cytogenetic location: 19p13.11.
Variant type: single nucleotide variant.
Coding change: c.774G>T on transcript NM_001297595.2 (MANE Select); coding-DNA position 774, G replaced by T.
Protein change: p.Glu258Asp; replaces glutamic acid 258 with aspartic acid.
Molecular consequence: missense variant.
Genome position (GRCh38, 1-based): chr19:16,851,459, G>T. VCF-style: chr19-16851459-G-T. GRCh37 (hg19) VCF-style: chr19-16962270-G-T.
Other names: c.774G>T, p.Glu258Asp (NM_015260.4); c.774G>T (NM_015260.3); short protein forms E258D.
Identifiers: ClinVar variation 2256027 (VCV002256027.3), dbSNP rs1568417266, ClinGen allele CA404637932.